The following is an entry in ClinVar:

NM_000179.3(MSH6):c.1270dup (p.Val424fs)

Gene: MSH6 (mutS homolog 6; plus strand). Cytogenetic location: 2p16.3.
Variant type: Duplication.
Coding change: c.1270dup on transcript NM_000179.3 (MANE Select); coding-DNA position 1270, one base duplicated (G; older notation c.1270dupG).
Protein change: p.Val424fs; shifts the reading frame from valine 424.
Molecular consequence: frameshift variant. On other transcripts: non-coding transcript variant (4), intron variant (1).
Genome position (GRCh38, 1-based): chr2:47,799,253, G duplicated. VCF-style (leftmost placement, unchanged base first): chr2-47799252-T-TG. GRCh37 (hg19) VCF-style: chr2-48026391-T-TG.
Other names: c.880dup, p.Val294fs (NM_001281492.2); c.364dup, p.Val122fs (NM_001281493.2, NM_001281494.2, NM_001406811.1 and 6 more transcripts); c.1366dup, p.Val456fs (NM_001406795.1, NM_001406802.1); c.1270dup, p.Val424fs (NM_001406796.1, NM_001406798.1, NM_001406800.1 and 4 more transcripts); c.973dup, p.Val325fs (NM_001406797.1, NM_001406801.1, NM_001406805.1 and 10 more transcripts); c.745dup, p.Val249fs (NM_001406799.1, NM_001406806.1, NM_001406807.1); c.1192dup, p.Val398fs (NM_001406804.1); c.1276dup, p.Val426fs (NM_001406813.1); and 3 more; short protein forms V424fs, V294fs, V325fs, V398fs, V426fs, V456fs, V122fs, V249fs.
Identifiers: ClinVar variation 2567446 (VCV002567446.2), dbSNP rs2530600347, ClinGen allele CA2580611359.
Genomic context (GRCh38, chr2:47,799,252, plus strand): 5'-CAATTCTTGTACTCCTGGGATGAGGAAGTGGTGGCAGATTAAGTCTCAGAACTTTGATCT[T>TG]GTCATCTGTTACAAGGTGGGGAAATTTTATGAGCTGTACCACATGGATGCTCTTATTGGA-3'

ClinVar aggregate classification (germline): Pathogenic (1 of 4 stars; one submission).

Conditions:
Hereditary cancer-predisposing syndrome. Also called: Hereditary neoplastic syndrome; Hereditary Cancer Syndrome; Neoplastic Syndromes, Hereditary; Tumor predisposition. Identifiers: Orphanet 140162, MedGen C0027672, MeSH D009386, MONDO:0015356.

Submission:

Ambry Genetics
Classification: Pathogenic for Hereditary cancer-predisposing syndrome. Last evaluated: 2023-03-20. Review status: criteria provided, single submitter. Criteria: Ambry Variant Classification Scheme 2023. Collection method: clinical testing. Allele origin: germline.
Comment: The c.1270dupG pathogenic mutation, located in coding exon 4 of the MSH6 gene, results from a duplication of G at nucleotide position 1270, causing a translational frameshift with a predicted alternate stop codon (p.V424Gfs*11). This variant is considered to be rare based on population cohorts in the Genome Aggregation Database (gnomAD). This alteration is expected to result in loss of function by premature protein truncation or nonsense-mediated mRNA decay. As such, this alteration is interpreted as a disease-causing mutation.